The following is an entry in ClinVar:

ClinVar aggregate classification (germline): Likely benign. Review status: criteria provided, multiple submitters, no conflicts (2 of 4 stars). 3 submissions from 3 submitters: Likely benign (3). Last evaluated 2026-04-10.

Conditions:
BAP1-related tumor predisposition syndrome (TPDS1). Also called: BAP1 tumor predisposition syndrome; Tumor susceptibility linked to germline BAP1 mutations; COMMON Syndrome; TUMOR PREDISPOSITION SYNDROME 1. Identifiers: Orphanet 289539, MedGen C3280492, MONDO:0013692, OMIM 614327.
BAP1-related disorder. Also called: BAP1-related condition.
Hereditary cancer-predisposing syndrome. Also called: Hereditary neoplastic syndrome; Hereditary Cancer Syndrome; Tumor predisposition; Neoplastic Syndromes, Hereditary. Identifiers: Orphanet 140162, MedGen C0027672, MeSH D009386, MONDO:0015356.

Submissions (3):

Ambry Genetics
Classification: Likely benign for Hereditary cancer-predisposing syndrome. Last evaluated: 2026-04-10. Review status: criteria provided, single submitter. Criteria: Ambry Variant Classification Scheme 2023. Collection method: clinical testing. Allele origin: germline.

PreventionGenetics, part of Exact Sciences
Classification: Likely benign for BAP1-related condition. Last evaluated: 2026-01-09. Review status: criteria provided, single submitter. Criteria: ACMG Guidelines, 2015. Collection method: clinical testing. Allele origin: germline.
Comment: This variant is classified as likely benign based on ACMG/AMP sequence variant interpretation guidelines (Richards et al. 2015 PMID: 25741868, with internal and published modifications).

Labcorp Genetics (formerly Invitae), Labcorp
Classification: Likely benign for BAP1-related tumor predisposition syndrome. Last evaluated: 2024-10-21. Review status: criteria provided, single submitter. Criteria: Invitae Variant Classification Sherloc (09022015). Collection method: clinical testing. Allele origin: germline.

NM_004656.4(BAP1):c.498G>A (p.Glu166=)

Gene: BAP1 (BRCA1 associated deubiquitinase 1; minus strand). Cytogenetic location: 3p21.1.
Variant type: single nucleotide variant.
Coding change: c.498G>A on transcript NM_004656.4 (MANE Select); coding-DNA position 498, G replaced by A.
Protein change: p.Glu166=; no amino-acid change (glutamic acid 166 retained).
Molecular consequence: synonymous variant.
Genome position (GRCh38, 1-based): chr3:52,407,256, C>T on the plus strand (G>A on the coding strand, the complement: BAP1 is on the minus strand). VCF-style: chr3-52407256-C-T. GRCh37 (hg19) VCF-style: chr3-52441272-C-T.
Other names: c.498G>A, p.Glu166= (NM_001410772.1); c.498G>A (NM_004656.3).
Identifiers: ClinVar variation 2723611 (VCV002723611.5), dbSNP rs2153227837, ClinGen allele CA433777212.